The following continues an entry in ClinVar:

NM_007294.4(BRCA1):c.4165_4166del (p.Gln1388_Ser1389insTer)

Gene: BRCA1. ClinVar aggregate classification (germline): Pathogenic. Pathogenic (1).

Submissions 9 to 25 of 25:

All of Us Research Program, National Institutes of Health
Classification: Pathogenic for Breast-ovarian cancer, familial, susceptibility to, 1. Last evaluated: 2023-11-28. Review status: criteria provided, single submitter. Criteria: ACMG Guidelines, 2015. Collection method: clinical testing. Allele origin: germline. Inheritance: Autosomal dominant inheritance. Observed: 1 variant allele, 1 heterozygote. Not counted in ClinVar's aggregate classification.
Comment: This variant deletes 2 nucleotides in exon 11 of the BRCA1 gene, creating a frameshift and premature translation stop signal. This variant is expected to result in an absent or non-functional protein product. This variant has been identified in 1/247192 chromosomes in the general population by the Genome Aggregation Database (gnomAD). Loss of BRCA1 function is a known mechanism of disease. Based on the available evidence, this variant is classified as Pathogenic.

This study involves interpretation of variants in research participants for the purpose of population health screening. Participant phenotype was not available at the time of variant classification. Additional details can be found in publication PMID: 35346344, PMCID: PMC8962531

Ambry Genetics
Classification: Pathogenic for Hereditary cancer-predisposing syndrome. Last evaluated: 2023-07-13. Review status: criteria provided, single submitter. Criteria: Ambry Variant Classification Scheme 2023. Collection method: clinical testing. Allele origin: germline. Not counted in ClinVar's aggregate classification.
Comment: The c.4165_4166delAG pathogenic mutation (also known as p.S1389*), located in coding exon 10 of the BRCA1 gene, results from a deletion of two nucleotides between nucleotide positions 4165 and 4166. This changes the amino acid from a serine to a stop codon within coding exon 10. This mutation has been previously identified in several breast and/or ovarian cancer families (Jandrig B et al. Int. J. Cancer. 1996 Oct;68(2):188-92; Dong J et al. Hum. Genet. 1998 Aug;103(2):154-61; Fernandes GC et al. Oncotarget 2016 Dec;7(49):80465-80481; Hamann U et al. J. Med. Genet. 1997 Nov;34(11):884-8; Li G et al. J. Cancer Res. Clin. Oncol. 2017 Oct;143(10):2011-2024; Liede A et al. Am. J. Hum. Genet. 2002 Sep;71(3):595-606; Pohlreich P et al. Breast Cancer Res. 2005;7(5):R728-36; Song H et al. Hum. Mol. Genet. 2014 Sep;23(17):4703-9). Of note, this mutation is designated as 4284delAG or 4282delAG in some published literature. In addition to the clinical data presented in the literature, this alteration is expected to result in loss of function by premature protein truncation or nonsense-mediated mRNA decay. As such, this alteration is interpreted as a disease-causing mutation.

Baylor Genetics
Classification: Pathogenic for Breast-ovarian cancer, familial, susceptibility to, 1. Last evaluated: 2022-01-05. Review status: criteria provided, single submitter. Criteria: ACMG Guidelines, 2015. Collection method: clinical testing. Allele origin: unknown. Not counted in ClinVar's aggregate classification.

Department of Pathology and Laboratory Medicine, Sinai Health System
Classification: Pathogenic for Familial cancer of breast; Breast-ovarian cancer, familial, susceptibility to, 1; Fanconi anemia, complementation group S. Last evaluated: 2021-05-25. Review status: criteria provided, single submitter. Criteria: ACMG Guidelines, 2015. Collection method: clinical testing. Allele origin: germline. Affected: yes. Not counted in ClinVar's aggregate classification.

GeneKor MSA
Classification: Pathogenic for Hereditary Breast Carcinoma. Last evaluated: 2020-01-01. Review status: criteria provided, single submitter. Criteria: ACMG Guidelines, 2015. Collection method: clinical testing. Allele origin: germline. Affected: yes. Not counted in ClinVar's aggregate classification.
Comment: This sequence change deletes 2 nucleotide from exon 11 of the BRCA1 mRNA (c.4165_4166dleAG), causing a frameshift at codon 1389. This creates a premature translation stop signal at this position and is expected to result in an absent or disrupted protein product. The mutation database ClinVar contains entries for this variant (Variation ID: 55117). This variant has been described in the literature in families affected by breast and ovarian cancer (PMID: 11897832, 9760198, 10923033, 16683254).

Quest Diagnostics Nichols Institute San Juan Capistrano
Classification: Pathogenic for Breast-ovarian cancer, familial, susceptibility to, 1. Last evaluated: 2016-04-08. Review status: criteria provided, single submitter. Criteria: Quest Diagnostics criteria. Collection method: clinical testing. Allele origin: germline. Inheritance: Autosomal dominant inheritance. Not counted in ClinVar's aggregate classification.

Consortium of Investigators of Modifiers of BRCA1/2 (CIMBA), c/o University of Cambridge
Classification: Pathogenic for Breast-ovarian cancer, familial, susceptibility to, 1. Last evaluated: 2015-10-02. Review status: criteria provided, single submitter. Criteria: CIMBA Mutation Classification guidelines May 2016. Collection method: clinical testing. Allele origin: germline. Not counted in ClinVar's aggregate classification.

Clinical Genetics DNA and cytogenetics Diagnostics Lab, Erasmus MC, Erasmus Medical Center
Classification: Pathogenic for Breast-ovarian cancer, familial, susceptibility to, 1. Last evaluated: 2015-09-21. Review status: criteria provided, single submitter. Criteria: ACGS Guidelines, 2013. Collection method: clinical testing. Allele origin: germline. Affected: yes. Study: VKGL Data-share Consensus. Not counted in ClinVar's aggregate classification.

Genesis Genomics
Classification: Pathogenic for Breast-ovarian cancer, familial, susceptibility to, 1. Review status: criteria provided, single submitter. Criteria: ACMG Guidelines, 2015. Collection method: clinical testing. Allele origin: germline. Affected: yes. Observed: 1 variant allele. Not counted in ClinVar's aggregate classification.

Neuberg Centre For Genomic Medicine, NCGM
Classification: Pathogenic for Breast-ovarian cancer, familial, susceptibility to, 1. Review status: criteria provided, single submitter. Criteria: ACMG Guidelines, 2015. Collection method: clinical testing. Allele origin: germline. Inheritance: Autosomal dominant inheritance. Affected: yes. Not counted in ClinVar's aggregate classification.
Comment: BRCA1 c.4165_4166del (p.Ser1389Ter) frameshift variant has been reported in the literature in families affected with breast and ovarian cancer (Singh J et al 2018; Szabo C et al,2000; Dong et al,1998). This variant is reported with the allele frequency (0.0004%) in the gnomAD and novel in 1000 genome database. It has been submitted to ClinVar as Pathogenic. This variant is predicted to cause loss of normal protein function through protein truncation. Loss of function variants have been previously reported to be disease causing. For these reasons, this variant has been classified as Pathogenic.

KCCC/NGS Laboratory, Kuwait Cancer Control Center
Classification: Likely pathogenic for Breast-ovarian cancer, familial, susceptibility to, 1. Last evaluated: 2023-05-05. Review status: no assertion criteria provided. Collection method: clinical testing. Allele origin: germline. Affected: yes. Not counted in ClinVar's aggregate classification.

Molecular Oncology, Hospital Universitario Central de Asturias (HUCA)
Classification: Pathogenic for Breast-ovarian cancer, familial, susceptibility to, 1. Last evaluated: 2021-05-24. Review status: no assertion criteria provided. Collection method: case-control. Allele origin: germline. Affected: yes. Not counted in ClinVar's aggregate classification.

CZECANCA consortium
Classification: Pathogenic for Breast and/or ovarian cancer. Last evaluated: 2019-06-11. Review status: no assertion criteria provided. Collection method: clinical testing. Allele origin: germline. Affected: yes. Observed: 2 variant alleles. Not counted in ClinVar's aggregate classification.

Research Molecular Genetics Laboratory, Women's College Hospital, University of Toronto
Classification: Pathogenic for Hereditary breast ovarian cancer syndrome. Last evaluated: 2014-01-31. Review status: no assertion criteria provided. Collection method: research. Allele origin: germline. Affected: yes. Study: The Canadian Open Genetics Repository (COGR). Not counted in ClinVar's aggregate classification.

Sharing Clinical Reports Project (SCRP)
Classification: Pathogenic for Breast-ovarian cancer, familial 1. Last evaluated: 2012-07-03. Review status: no assertion criteria provided. Collection method: clinical testing. Allele origin: germline. Not counted in ClinVar's aggregate classification.

Breast Cancer Information Core (BIC) (BRCA1)
Classification: Pathogenic for Breast-ovarian cancer, familial 1. Last evaluated: 2002-05-29. Review status: no assertion criteria provided. Collection method: clinical testing. Allele origin: germline. Affected: yes. Observed: 15 variant alleles. Not counted in ClinVar's aggregate classification.

Diagnostic Laboratory, Department of Genetics, University Medical Center Groningen
Classification: Pathogenic for Breast-ovarian cancer, familial, susceptibility to, 1. Review status: no assertion criteria provided. Collection method: clinical testing. Allele origin: germline. Affected: yes. Study: VKGL Data-share Consensus. Not counted in ClinVar's aggregate classification.

Literature cited by the submitters: PubMed 32375709 (cited by Dasa); PubMed 21989022 (cited by Dasa); PubMed 11802209 (cited by 3 submitters); PubMed 20104584 (cited by Labcorp Genetics (formerly Invitae), Labcorp and KCCC/NGS Laboratory, Kuwait Cancer Control Center); PubMed 8900426 (cited by 4 submitters); PubMed 9760198 (cited by 5 submitters); PubMed 10923033 (cited by Labcorp Genetics (formerly Invitae), Labcorp and Color Diagnostics, LLC DBA Color Health); PubMed 16683254 (cited by 4 submitters); PubMed 31853058 (cited by Color Diagnostics, LLC DBA Color Health); PubMed 33471991 (cited by Color Diagnostics, LLC DBA Color Health); PubMed 35957908 (cited by Women's Health and Genetics/Laboratory Corporation of America, LabCorp); PubMed 10874312 (cited by Ambry Genetics); PubMed 10952774 (cited by Ambry Genetics); PubMed 11463009 (cited by Ambry Genetics); PubMed 15024741 (cited by 3 submitters); PubMed 16168118 (cited by 3 submitters); PubMed 21559243 (cited by Ambry Genetics); PubMed 24312913 (cited by Ambry Genetics); PubMed 24454456 (cited by Ambry Genetics); PubMed 26306726 (cited by Ambry Genetics); PubMed 27741520 (cited by Ambry Genetics); PubMed 28324225 (cited by Ambry Genetics); PubMed 28664449 (cited by Ambry Genetics); PubMed 29470806 (cited by Ambry Genetics and Department of Pathology and Laboratory Medicine, Sinai Health System); PubMed 29907814 (cited by Ambry Genetics and Department of Pathology and Laboratory Medicine, Sinai Health System); PubMed 30014164 (cited by Ambry Genetics); PubMed 30702160 (cited by Ambry Genetics); PubMed 30720243 (cited by Ambry Genetics); PubMed 9391879 (cited by Ambry Genetics); PubMed 12181777 (cited by Department of Pathology and Laboratory Medicine, Sinai Health System and Quest Diagnostics Nichols Institute San Juan Capistrano); PubMed 18489799 (cited by Quest Diagnostics Nichols Institute San Juan Capistrano); PubMed 26295337 (cited by Quest Diagnostics Nichols Institute San Juan Capistrano); PubMed 38922859 (cited by Molecular Oncology, Hospital Universitario Central de Asturias (HUCA)); PubMed 32295079 (cited by CZECANCA consortium).